The following is an entry in ClinVar:

ClinVar aggregate classification (germline): Uncertain significance. Review status: criteria provided, multiple submitters, no conflicts (2 of 4 stars). 2 submissions from 2 submitters: Uncertain significance (2). Last evaluated 2026-02-23.

Conditions:
Familial cold autoinflammatory syndrome 2 (FCAS2). Identifiers: Orphanet 247868, MedGen C2673198, MONDO:0012724, OMIM 611762.

gnomAD v4.1: 2 of 1,614,042 alleles (0.00012%); highest among the groups gnomAD compares: African/African-American, 0.0027%; no homozygotes.

Submissions (2):

GeneDx
Classification: Uncertain significance. Last evaluated: 2026-02-23. Review status: criteria provided, single submitter. Criteria: GeneDx Variant Classification Process June 2021. Collection method: clinical testing. Allele origin: germline.
Comment: Not observed at significant frequency in large population cohorts (gnomAD); In silico analysis suggests that this missense variant does not alter protein structure/function; Has not been previously published as pathogenic or benign to our knowledge

Labcorp Genetics (formerly Invitae), Labcorp
Classification: Uncertain significance for Familial cold autoinflammatory syndrome 2. Last evaluated: 2025-11-03. Review status: criteria provided, single submitter. Criteria: Invitae Variant Classification Sherloc (09022015). Collection method: clinical testing. Allele origin: germline.
Comment: This sequence change replaces valine, which is neutral and non-polar, with alanine, which is neutral and non-polar, at codon 230 of the NLRP12 protein (p.Val230Ala). This variant is not present in population databases (gnomAD no frequency). This variant has not been reported in the literature in individuals affected with NLRP12-related conditions. Invitae Evidence Modeling of protein sequence and biophysical properties (such as structural, functional, and spatial information, amino acid conservation, physicochemical variation, residue mobility, and thermodynamic stability) indicates that this missense variant is not expected to disrupt NLRP12 protein function with a negative predictive value of 80%. In summary, the available evidence is currently insufficient to determine the role of this variant in disease. Therefore, it has been classified as a Variant of Uncertain Significance.

NM_144687.4(NLRP12):c.689T>C (p.Val230Ala)

Gene: NLRP12 (NLR family pyrin domain containing 12; minus strand). Cytogenetic location: 19q13.42.
Variant type: single nucleotide variant.
Coding change: c.689T>C on transcript NM_144687.4 (MANE Select); coding-DNA position 689, T replaced by C.
Protein change: p.Val230Ala; replaces valine 230 with alanine.
Molecular consequence: missense variant.
Genome position (GRCh38, 1-based): chr19:53,810,970, A>G on the plus strand (T>C on the coding strand, the complement: NLRP12 is on the minus strand). VCF-style: chr19-53810970-A-G. GRCh37 (hg19) VCF-style: chr19-54314224-A-G.
Other names: c.689T>C, p.Val230Ala (NM_001277126.2, NM_001277129.1); c.689T>C (NM_144687.2); short protein forms V230A.
Identifiers: ClinVar variation 4808849 (VCV004808849.2).